The following is an entry in ClinVar:

NM_005585.5(SMAD6):c.722T>C (p.Leu241Pro)

Gene: SMAD6 (SMAD family member 6; plus strand). Cytogenetic location: 15q22.31.
Variant type: single nucleotide variant.
Coding change: c.722T>C on transcript NM_005585.5 (MANE Select); coding-DNA position 722, T replaced by C.
Protein change: p.Leu241Pro; replaces leucine 241 with proline.
Molecular consequence: missense variant. On other transcripts: non-coding transcript variant (1).
Genome position (GRCh38, 1-based): chr15:66,703,980, T>C. VCF-style: chr15-66703980-T-C. GRCh37 (hg19) VCF-style: chr15-66996318-T-C.
Other names: short protein forms L241P.
Identifiers: ClinVar variation 3375681 (VCV003375681.1).

ClinVar aggregate classification (germline): Uncertain significance (1 of 4 stars; one submission).

gnomAD v4.1: 2 of 1,470,954 alleles (0.00014%); highest among the groups gnomAD compares: Non-Finnish European, 0.00018%; no homozygotes.

Submission:

GeneDx
Classification: Uncertain significance. Last evaluated: 2024-05-09. Review status: criteria provided, single submitter. Criteria: GeneDx Variant Classification Process June 2021. Collection method: clinical testing. Allele origin: germline. Affected: yes.
Comment: Not observed at significant frequency in large population cohorts (gnomAD); In silico analysis supports that this missense variant has a deleterious effect on protein structure/function; Has not been previously published as pathogenic or benign to our knowledge